The following is an entry in ClinVar:

NM_001042492.3(NF1):c.3926del (p.Ile1309fs)

Gene: NF1 (neurofibromin 1; plus strand). Cytogenetic location: 17q11.2.
Variant type: Deletion.
Coding change: c.3926del on transcript NM_001042492.3 (MANE Select); coding-DNA position 3926, one base deleted (T; older notation c.3926delT).
Protein change: p.Ile1309fs; shifts the reading frame from isoleucine 1309.
Molecular consequence: frameshift variant.
Genome position (GRCh38, 1-based): chr17:31,235,973, T deleted. VCF-style (leftmost placement, unchanged base first): chr17-31235972-AT-A. GRCh37 (hg19) VCF-style: chr17-29562990-AT-A.
Other names: c.3926delT, p.Ile1309Thrfs (NM_000267.4); short protein forms I1309fs.
Identifiers: ClinVar variation 862782 (VCV000862782.6), dbSNP rs2067194538, ClinGen allele CA916080628.
Genomic context (GRCh38, chr17:31,235,972, plus strand): 5'-CTGTAGGTATATGGTGCTACCTATCTACAAAAACTCCTGGATCCTTTATTACGAATTGTG[AT>A]CACATCCTCTGATTGGCAACATGTTAGCTTTGAAGTGGATCCTACCAGGTTTGTCATCTT-3'

ClinVar aggregate classification (germline): Pathogenic (1 of 4 stars; one submission).

Conditions:
Neurofibromatosis, type 1 (NF1). Also called: Neurofibromatosis, type I; VON RECKLINGHAUSEN DISEASE; Peripheral type neurofibromatosis; NEUROFIBROMATOSIS, TYPE I, SOMATIC. Identifiers: Orphanet 636, MedGen C0027831, MONDO:0018975, OMIM 162200. Disease mechanism: loss of function.

Submission:

Labcorp Genetics (formerly Invitae), Labcorp
Classification: Pathogenic for Neurofibromatosis, type 1. Last evaluated: 2023-11-28. Review status: criteria provided, single submitter. Criteria: Invitae Variant Classification Sherloc (09022015). Collection method: clinical testing. Allele origin: germline.
Comment: This sequence change creates a premature translational stop signal (p.Ile1309Thrfs*18) in the NF1 gene. It is expected to result in an absent or disrupted protein product. Loss-of-function variants in NF1 are known to be pathogenic (PMID: 10712197, 23913538). This variant is not present in population databases (gnomAD no frequency). This variant has not been reported in the literature in individuals affected with NF1-related conditions. ClinVar contains an entry for this variant (Variation ID: 862782). For these reasons, this variant has been classified as Pathogenic.

Literature cited by the submitters: PubMed 10712197; PubMed 23913538.